The following is an entry in ClinVar:

NM_002968.3(SALL1):c.2178G>A (p.Arg726=)

Gene: SALL1 (spalt like transcription factor 1; minus strand). Cytogenetic location: 16q12.1.
Variant type: single nucleotide variant.
Coding change: c.2178G>A on transcript NM_002968.3 (MANE Select); coding-DNA position 2178, G replaced by A.
Protein change: p.Arg726=; no amino-acid change (arginine 726 retained).
Molecular consequence: synonymous variant.
Genome position (GRCh38, 1-based): chr16:51,140,044, C>T on the plus strand (G>A on the coding strand, the complement: SALL1 is on the minus strand). VCF-style: chr16-51140044-C-T. GRCh37 (hg19) VCF-style: chr16-51173955-C-T.
Other names: c.1887G>A, p.Arg629= (NM_001127892.2).
Identifiers: ClinVar variation 258862 (VCV000258862.13), dbSNP rs144019351, ClinGen allele CA8053150.

ClinVar aggregate classification (germline): Benign/Likely benign. Review status: criteria provided, multiple submitters, no conflicts (2 of 4 stars). 6 submissions from 6 submitters: Benign (5); Likely benign (1). Last evaluated 2026-01-19.

Conditions:
Townes syndrome (TBS). Also called: Townes-Brocks syndrome. Identifiers: Orphanet 857, MedGen C0265246, MeSH C536974, MONDO:0007142.

Allele frequency attached by ClinVar (database versions not stated): 1000 Genomes Project 0.00739; 1000 Genomes Project 30x 0.00765; gnomAD 0.01123 and 0.01142; ESP Exome Variant Server 0.01177; TOPMed 0.01247; ExAC 0.01316; gnomAD exomes 0.01348 and 0.01396.
gnomAD v4.1: 21,521 of 1,614,176 alleles (1.3%); highest among the groups gnomAD compares: Middle Eastern, 3.1%; 232 homozygotes.

Submissions (6):

Labcorp Genetics (formerly Invitae), Labcorp
Classification: Benign for Townes syndrome. Last evaluated: 2026-01-19. Review status: criteria provided, single submitter. Criteria: Invitae Variant Classification Sherloc (09022015). Collection method: clinical testing. Allele origin: germline.

Blueprint Genetics
Classification: Likely benign. Last evaluated: 2024-11-27. Review status: criteria provided, single submitter. Criteria: ACMG Guidelines, 2015. Collection method: clinical testing. Allele origin: germline.

Athena Diagnostics
Classification: Benign. Last evaluated: 2019-07-10. Review status: criteria provided, single submitter. Criteria: Athena Diagnostics Criteria. Collection method: clinical testing. Allele origin: germline.

GeneDx
Classification: Benign. Last evaluated: 2017-06-09. Review status: criteria provided, single submitter. Criteria: GeneDx Variant Classification (06012015). Collection method: clinical testing. Allele origin: germline. Affected: yes.
Comment: This variant is considered likely benign or benign based on one or more of the following criteria: it is a conservative change, it occurs at a poorly conserved position in the protein, it is predicted to be benign by multiple in silico algorithms, and/or has population frequency not consistent with disease.

Breakthrough Genomics
Classification: Benign. Review status: criteria provided, single submitter. Criteria: ACMG Guidelines, 2015. Collection method: not provided. Allele origin: germline. Inheritance: Autosomal dominant inheritance. Affected: yes.

PreventionGenetics, part of Exact Sciences
Classification: Benign. Review status: criteria provided, single submitter. Criteria: ACMG Guidelines, 2015. Collection method: clinical testing. Allele origin: germline.

Literature cited by the submitters: PubMed 10533063 (cited by Athena Diagnostics).